The following is an entry in ClinVar:

NM_015338.6(ASXL1):c.1301G>A (p.Gly434Glu)

Gene: ASXL1 (ASXL transcriptional regulator 1; plus strand). Cytogenetic location: 20q11.21.
Variant type: single nucleotide variant.
Coding change: c.1301G>A on transcript NM_015338.6 (MANE Select); coding-DNA position 1301, G replaced by A.
Protein change: p.Gly434Glu; replaces glycine 434 with glutamic acid.
Molecular consequence: missense variant.
Genome position (GRCh38, 1-based): chr20:32,433,499, G>A. VCF-style: chr20-32433499-G-A. GRCh37 (hg19) VCF-style: chr20-31021302-G-A.
Other names: c.1118G>A, p.Gly373Glu (NM_001363734.1); short protein forms G373E, G434E.
Identifiers: ClinVar variation 3957791 (VCV003957791.1).

ClinVar aggregate classification (germline): Uncertain significance (1 of 4 stars; one submission).

Conditions:
Inborn genetic diseases. Identifiers: MedGen C0950123, MeSH D030342.

Submission:

Ambry Genetics
Classification: Uncertain significance for Inborn genetic diseases. Last evaluated: 2025-06-12. Review status: criteria provided, single submitter. Criteria: Ambry Variant Classification Scheme 2023. Collection method: clinical testing. Allele origin: germline.
Comment: The p.G434E variant (also known as c.1301G>A), located in coding exon 12 of the ASXL1 gene, results from a G to A substitution at nucleotide position 1301. The glycine at codon 434 is replaced by glutamic acid, an amino acid with similar properties. This amino acid position is conserved. In addition, this alteration is predicted to be tolerated by in silico analysis. Based on the available evidence, the clinical significance of this variant remains unclear.